The following is an entry in ClinVar:

ClinVar aggregate classification (germline): Conflicting classifications of pathogenicity. Review status: criteria provided, conflicting classifications (1 of 4 stars). 2 submissions from 2 submitters: Uncertain significance (1); Likely benign (1). Last evaluated 2025-11-30.

Conditions:
EGFR-related lung cancer (EGFR). Identifiers: MedGen CN130014.
Hereditary cancer-predisposing syndrome. Also called: Hereditary Cancer Syndrome; Tumor predisposition; Hereditary neoplastic syndrome; Neoplastic Syndromes, Hereditary. Identifiers: Orphanet 140162, MedGen C0027672, MeSH D009386, MONDO:0015356.

Allele frequency attached by ClinVar (database versions not stated): gnomAD exomes below 0.00001; gnomAD 0.00002; TOPMed 0.00003.
gnomAD v4.1: 4 of 1,515,250 alleles (0.00026%); highest among the groups gnomAD compares: African/African-American, 0.0043%; no homozygotes.

Submissions (2):

Labcorp Genetics (formerly Invitae), Labcorp
Classification: Uncertain significance for EGFR-related lung cancer. Last evaluated: 2025-11-30. Review status: criteria provided, single submitter. Criteria: Invitae Variant Classification Sherloc (09022015). Collection method: clinical testing. Allele origin: germline.
Comment: This sequence change replaces arginine, which is basic and polar, with tryptophan, which is neutral and slightly polar, at codon 23 of the EGFR protein (p.Arg23Trp). This variant is present in population databases (no rsID available, gnomAD 0.01%). This variant has not been reported in the literature in individuals affected with EGFR-related conditions. ClinVar contains an entry for this variant (Variation ID: 2186986). An algorithm developed to predict the effect of missense changes on protein structure and function outputs the following: PolyPhen-2: "Benign". The tryptophan amino acid residue is found in multiple mammalian species, which suggests that this missense change does not adversely affect protein function. In summary, the available evidence is currently insufficient to determine the role of this variant in disease. Therefore, it has been classified as a Variant of Uncertain Significance.

Ambry Genetics
Classification: Likely benign for Hereditary cancer-predisposing syndrome. Last evaluated: 2024-12-17. Review status: criteria provided, single submitter. Criteria: Ambry Variant Classification Scheme 2023. Collection method: clinical testing. Allele origin: germline.

NM_005228.5(EGFR):c.67C>T (p.Arg23Trp)

Gene: EGFR (epidermal growth factor receptor; plus strand). Cytogenetic location: 7p11.2.
Variant type: single nucleotide variant.
Coding change: c.67C>T on transcript NM_005228.5 (MANE Select); coding-DNA position 67, C replaced by T.
Protein change: p.Arg23Trp; replaces arginine 23 with tryptophan.
Molecular consequence: missense variant.
Genome position (GRCh38, 1-based): chr7:55,019,344, C>T. VCF-style: chr7-55019344-C-T. GRCh37 (hg19) VCF-style: chr7-55087037-C-T.
Other names: c.67C>T, p.Arg23Trp (NM_001346897.2, NM_001346898.2, NM_001346899.2 and 4 more transcripts); short protein forms R23W.
Identifiers: ClinVar variation 2186986 (VCV002186986.5), dbSNP rs987102148, ClinGen allele CA159566184.